The following is an entry in ClinVar:

ClinVar aggregate classification (germline): Uncertain significance (1 of 4 stars; one submission).

Conditions:
Isolated microphthalmia 8. Identifiers: Orphanet 2542, MedGen C3554524, MONDO:0014050, OMIM 615113.

Submission:

Molecular Genetics of Human Eye Development, Oxford Brookes University
Classification: Uncertain significance for Isolated microphthalmia 8. Last evaluated: 2022-09-01. Review status: criteria provided, single submitter. Criteria: ACMG Guidelines, 2015. Collection method: research. Allele origin: inherited. Affected: yes. Observed: 2 variant alleles.
Comment: compound heterozygous with NM_000693.4:c.1393A>T

Literature cited by the submitters: PubMed 30653986.

NM_000693.4(ALDH1A3):c.874G>T (p.Asp292Tyr)

Genes: ALDH1A3 (aldehyde dehydrogenase 1 family member A3; plus strand), ALDH1A3-AS1 (ALDH1A3 antisense RNA 1; minus strand). Cytogenetic location: 15q26.3.
Variant type: single nucleotide variant.
Coding change: c.874G>T on transcript NM_000693.4 (MANE Select); coding-DNA position 874, G replaced by T.
Protein change: p.Asp292Tyr; replaces aspartic acid 292 with tyrosine.
Molecular consequence: missense variant.
Genome position (GRCh38, 1-based): chr15:100,898,176, G>T. VCF-style: chr15-100898176-G-T. GRCh37 (hg19) VCF-style: chr15-101438381-G-T.
Other names: c.553G>T, p.Asp185Tyr (NM_001293815.2); short protein forms D185Y, D292Y.
Identifiers: ClinVar variation 1802994 (VCV001802994.2), dbSNP rs1226878041, ClinGen allele CA393942889.